The following is an entry in ClinVar:

NM_001004719.2(OR4M2):c.450G>T (p.Arg150Ser)

Genes: OR4M2 (olfactory receptor family 4 subfamily M member 2; plus strand), OR4M2-OT1 (OR4M2 overlapping transcript 1; plus strand). Cytogenetic location: 15q11.2.
Variant type: single nucleotide variant.
Coding change: c.450G>T on transcript NM_001004719.2 (MANE Select); coding-DNA position 450, G replaced by T.
Protein change: p.Arg150Ser; replaces arginine 150 with serine.
Molecular consequence: missense variant.
Genome position (GRCh38, 1-based): chr15:22,081,074, G>T. VCF-style: chr15-22081074-G-T. GRCh37 (hg19) VCF-style: chr15-22369025-G-T.
Other names: short protein forms R150S.
Identifiers: ClinVar variation 2644938 (VCV002644938.24), dbSNP rs367552249, ClinGen allele CA266503450.

ClinVar aggregate classification (germline): Likely benign (1 of 4 stars; one submission).

Allele frequency attached by ClinVar (database versions not stated): ESP Exome Variant Server 0.00008.

Submission:

CeGaT Center for Human Genetics Tuebingen
Classification: Likely benign. Last evaluated: 2022-04-01. Review status: criteria provided, single submitter. Criteria: CeGaT Center For Human Genetics Tuebingen Variant Classification Criteria Version 2. Collection method: clinical testing. Allele origin: germline. Affected: yes. Observed: 1 variant allele.
Comment: OR4M2: BP4